The following is an entry in ClinVar:

NM_001130438.3(SPTAN1):c.470A>G (p.Glu157Gly)

Gene: SPTAN1 (spectrin alpha, non-erythrocytic 1; plus strand). Cytogenetic location: 9q34.11.
Variant type: single nucleotide variant.
Coding change: c.470A>G on transcript NM_001130438.3 (MANE Select); coding-DNA position 470, A replaced by G.
Protein change: p.Glu157Gly; replaces glutamic acid 157 with glycine.
Molecular consequence: missense variant.
Genome position (GRCh38, 1-based): chr9:128,574,781, A>G. VCF-style: chr9-128574781-A-G. GRCh37 (hg19) VCF-style: chr9-131337060-A-G.
Other names: c.470A>G, p.Glu157Gly (NM_001195532.2, NM_001363759.2, NM_001363765.2 and 5 more transcripts); c.506A>G, p.Glu169Gly (NM_001375312.2, NM_001375318.1); short protein forms E169G, E157G.
Identifiers: ClinVar variation 2717259 (VCV002717259.3), dbSNP rs2541012652, ClinGen allele CA375052632.

ClinVar aggregate classification (germline): Uncertain significance (1 of 4 stars; one submission).

Conditions:
Early-infantile DEE. Also called: Early infantile epileptic encephalopathy with suppression bursts; Early infantile epileptic encephalopathy; Ohtahara syndrome. Identifiers: Orphanet 1934, MedGen C0393706, MONDO:0800491.

Submission:

Labcorp Genetics (formerly Invitae), Labcorp
Classification: Uncertain significance for Early-infantile DEE. Last evaluated: 2023-06-16. Review status: criteria provided, single submitter. Criteria: Invitae Variant Classification Sherloc (09022015). Collection method: clinical testing. Allele origin: germline.
Comment: This sequence change replaces glutamic acid, which is acidic and polar, with glycine, which is neutral and non-polar, at codon 157 of the SPTAN1 protein (p.Glu157Gly). This variant is not present in population databases (gnomAD no frequency). This variant has not been reported in the literature in individuals affected with SPTAN1-related conditions. Advanced modeling of protein sequence and biophysical properties (such as structural, functional, and spatial information, amino acid conservation, physicochemical variation, residue mobility, and thermodynamic stability) has been performed at Invitae for this missense variant, however the output from this modeling did not meet the statistical confidence thresholds required to predict the impact of this variant on SPTAN1 protein function. In summary, the available evidence is currently insufficient to determine the role of this variant in disease. Therefore, it has been classified as a Variant of Uncertain Significance.